The following is an entry in ClinVar:

NM_001017995.3(SH3PXD2B):c.392C>T (p.Pro131Leu)

Gene: SH3PXD2B (SH3 and PX domains 2B; minus strand). Cytogenetic location: 5q35.1.
Variant type: single nucleotide variant.
Coding change: c.392C>T on transcript NM_001017995.3 (MANE Select); coding-DNA position 392, C replaced by T.
Protein change: p.Pro131Leu; replaces proline 131 with leucine.
Molecular consequence: missense variant.
Genome position (GRCh38, 1-based): chr5:172,382,045, G>A on the plus strand (C>T on the coding strand, the complement: SH3PXD2B is on the minus strand). VCF-style: chr5-172382045-G-A. GRCh37 (hg19) VCF-style: chr5-171809049-G-A.
Other names: c.392C>T, p.Pro131Leu (NM_001308175.2); short protein forms P131L.
Identifiers: ClinVar variation 2278201 (VCV002278201.5), dbSNP rs1757958743, ClinGen allele CA362144606.

ClinVar aggregate classification (germline): Uncertain significance. Review status: criteria provided, multiple submitters, no conflicts (2 of 4 stars). 2 submissions from 2 submitters: Uncertain significance (2). Last evaluated 2025-08-30.

Conditions:
Inborn genetic diseases. Identifiers: MedGen C0950123, MeSH D030342.

Allele frequency attached by ClinVar (database versions not stated): gnomAD 0.00001; TOPMed 0.00001.
gnomAD v4.1: 1 of 1,611,114 alleles (0.000062%); highest among the groups gnomAD compares: Admixed American, 0.0017%; no homozygotes.

Submissions (2):

Ambry Genetics
Classification: Uncertain significance for Inborn genetic diseases. Last evaluated: 2025-08-30. Review status: criteria provided, single submitter. Criteria: Ambry Variant Classification Scheme 2023. Collection method: clinical testing. Allele origin: germline.

Labcorp Genetics (formerly Invitae), Labcorp
Classification: Uncertain significance. Last evaluated: 2024-12-17. Review status: criteria provided, single submitter. Criteria: Invitae Variant Classification Sherloc (09022015). Collection method: clinical testing. Allele origin: germline.
Comment: This sequence change replaces proline, which is neutral and non-polar, with leucine, which is neutral and non-polar, at codon 131 of the SH3PXD2B protein (p.Pro131Leu). This variant is not present in population databases (gnomAD no frequency). This variant has not been reported in the literature in individuals affected with SH3PXD2B-related conditions. ClinVar contains an entry for this variant (Variation ID: 2278201). An algorithm developed to predict the effect of missense changes on protein structure and function (PolyPhen-2) suggests that this variant is likely to be disruptive. In summary, the available evidence is currently insufficient to determine the role of this variant in disease. Therefore, it has been classified as a Variant of Uncertain Significance.